The following is an entry in ClinVar:

ClinVar aggregate classification (germline): Uncertain significance. Review status: criteria provided, multiple submitters, no conflicts (2 of 4 stars). 3 submissions from 3 submitters: Uncertain significance (3). Last evaluated 2025-10-18.

Conditions:
Proteinuria, chronic benign. Identifiers: MedGen C5394384, MONDO:0030042, OMIM 618884.
Imerslund-Grasbeck syndrome type 1 (IGS1). Also called: Megaloblastic anemia 1, Finnish type; MEGALOBLASTIC ANEMIA, 1; Imerslund-Gräsbeck syndrome 1. Identifiers: MedGen C4016819, MONDO:0100156, OMIM 261100.
Imerslund-Grasbeck syndrome. Also called: Megaloblastic anemia due to inborn errors of metabolism; Imerslund-Gräsbeck syndrome; ENTEROCYTE COBALAMIN MALABSORPTION; ENTEROCYTE INTRINSIC FACTOR RECEPTOR, DEFECT OF; PERNICIOUS ANEMIA, JUVENILE, DUE TO SELECTIVE INTESTINAL MALABSORPTION OF VITAMIN B12, WITH PROTEINURIA. Identifiers: Orphanet 35858, MedGen C4551825, MONDO:0009853.

Allele frequency attached by ClinVar (database versions not stated): gnomAD 0.00009 and 0.00007; TOPMed 0.00008; gnomAD exomes 0.00011 and 0.00022; ExAC 0.00019.
gnomAD v4.1: 327 of 1,613,096 alleles (0.02%); highest among the groups gnomAD compares: Non-Finnish European, 0.027%; no homozygotes.

Submissions (3):

Labcorp Genetics (formerly Invitae), Labcorp
Classification: Uncertain significance for Imerslund-Grasbeck syndrome. Last evaluated: 2025-10-18. Review status: criteria provided, single submitter. Criteria: Invitae Variant Classification Sherloc (09022015). Collection method: clinical testing. Allele origin: germline.
Comment: This sequence change replaces asparagine, which is neutral and polar, with serine, which is neutral and polar, at codon 2942 of the CUBN protein (p.Asn2942Ser). This variant is present in population databases (rs766855509, gnomAD 0.02%). This variant has not been reported in the literature in individuals affected with CUBN-related conditions. ClinVar contains an entry for this variant (Variation ID: 299394). Invitae Evidence Modeling of protein sequence and biophysical properties (such as structural, functional, and spatial information, amino acid conservation, physicochemical variation, residue mobility, and thermodynamic stability) indicates that this missense variant is not expected to disrupt CUBN protein function with a negative predictive value of 80%. In summary, the available evidence is currently insufficient to determine the role of this variant in disease. Therefore, it has been classified as a Variant of Uncertain Significance.

Fulgent Genetics
Classification: Uncertain significance for Imerslund-Grasbeck syndrome type 1; Proteinuria, chronic benign. Last evaluated: 2022-02-02. Review status: criteria provided, single submitter. Criteria: ACMG Guidelines, 2015. Collection method: clinical testing. Allele origin: unknown.

Illumina Laboratory Services, Illumina
Classification: Uncertain significance for Imerslund-Grasbeck syndrome type 1. Last evaluated: 2018-01-13. Review status: criteria provided, single submitter. Criteria: ICSL Variant Classification Criteria 13 December 2019. Collection method: clinical testing. Allele origin: germline.

NM_001081.4(CUBN):c.8825A>G (p.Asn2942Ser)

Gene: CUBN (cubilin; minus strand). Cytogenetic location: 10p13.
Variant type: single nucleotide variant.
Coding change: c.8825A>G on transcript NM_001081.4 (MANE Select); coding-DNA position 8825, A replaced by G.
Protein change: p.Asn2942Ser; replaces asparagine 2942 with serine.
Molecular consequence: missense variant.
Genome position (GRCh38, 1-based): chr10:16,888,497, T>C on the plus strand (A>G on the coding strand, the complement: CUBN is on the minus strand). VCF-style: chr10-16888497-T-C. GRCh37 (hg19) VCF-style: chr10-16930496-T-C.
Other names: short protein forms N2942S.
Identifiers: ClinVar variation 299394 (VCV000299394.11), dbSNP rs766855509, ClinGen allele CA5422900.